The following is an entry in ClinVar:

NM_002474.3(MYH11):c.2786C>A (p.Ala929Asp)

Gene: MYH11 (myosin heavy chain 11; minus strand). Cytogenetic location: 16p13.11.
Variant type: single nucleotide variant.
Coding change: c.2786C>A on transcript NM_002474.3 (MANE Select); coding-DNA position 2786, C replaced by A.
Protein change: p.Ala929Asp; replaces alanine 929 with aspartic acid.
Molecular consequence: missense variant.
Genome position (GRCh38, 1-based): chr16:15,741,536, G>T on the plus strand (C>A on the coding strand, the complement: MYH11 is on the minus strand). VCF-style: chr16-15741536-G-T. GRCh37 (hg19) VCF-style: chr16-15835393-G-T.
Other names: c.2786C>A, p.Ala929Asp (NM_022844.3); c.2807C>A, p.Ala936Asp (NM_001040113.2, NM_001040114.2); short protein forms A929D, A936D.
Identifiers: ClinVar variation 1795983 (VCV001795983.2), dbSNP rs2506205202, ClinGen allele CA394865087.

ClinVar aggregate classification (germline): Uncertain significance (1 of 4 stars; one submission).

Conditions:
Familial thoracic aortic aneurysm and aortic dissection (TAAD). Also called: Thoracic aortic aneurysms and dissections. Identifiers: Orphanet 91387, MedGen C4707243, MONDO:0019625.

Submission:

Ambry Genetics
Classification: Uncertain significance for Familial thoracic aortic aneurysm and aortic dissection. Last evaluated: 2022-01-12. Review status: criteria provided, single submitter. Criteria: Ambry Variant Classification Scheme 2023. Collection method: clinical testing. Allele origin: germline.
Comment: The p.A929D variant (also known as c.2786C>A), located in coding exon 21 of the MYH11 gene, results from a C to A substitution at nucleotide position 2786. The alanine at codon 929 is replaced by aspartic acid, an amino acid with dissimilar properties. This amino acid position is conserved. In addition, the in silico prediction for this alteration is inconclusive. Since supporting evidence is limited at this time, the clinical significance of this alteration remains unclear.